The following is an entry in ClinVar:

NM_000391.4(TPP1):c.89C>A (p.Thr30Lys)

Gene: TPP1 (tripeptidyl peptidase 1; minus strand). Cytogenetic location: 11p15.4.
Variant type: single nucleotide variant.
Coding change: c.89C>A on transcript NM_000391.4 (MANE Select); coding-DNA position 89, C replaced by A.
Protein change: p.Thr30Lys; replaces threonine 30 with lysine.
Molecular consequence: missense variant.
Genome position (GRCh38, 1-based): chr11:6,619,196, G>T on the plus strand (C>A on the coding strand, the complement: TPP1 is on the minus strand). VCF-style: chr11-6619196-G-T. GRCh37 (hg19) VCF-style: chr11-6640427-G-T.
Other names: short protein forms T30K.
Identifiers: ClinVar variation 653128 (VCV000653128.6), dbSNP rs1175465002, ClinGen allele CA379476932.

ClinVar aggregate classification (germline): Uncertain significance (1 of 4 stars; one submission).

Allele frequency attached by ClinVar (database versions not stated): gnomAD exomes below 0.00001.

Submission:

Labcorp Genetics (formerly Invitae), Labcorp
Classification: Uncertain significance. Last evaluated: 2021-08-30. Review status: criteria provided, single submitter. Criteria: Invitae Variant Classification Sherloc (09022015). Collection method: clinical testing. Allele origin: germline.
Comment: This sequence change replaces threonine with lysine at codon 30 of the TPP1 protein (p.Thr30Lys). The threonine residue is weakly conserved and there is a moderate physicochemical difference between threonine and lysine. This variant is not present in population databases (ExAC no frequency). This variant has not been reported in the literature in individuals affected with TPP1-related conditions. Algorithms developed to predict the effect of missense changes on protein structure and function (SIFT, PolyPhen-2, Align-GVGD) all suggest that this variant is likely to be tolerated. In summary, the available evidence is currently insufficient to determine the role of this variant in disease. Therefore, it has been classified as a Variant of Uncertain Significance.